The following is an entry in ClinVar:

NM_001195553.2(DCX):c.364+1del

Gene: DCX (doublecortin; minus strand). Cytogenetic location: Xq23.
Variant type: Deletion.
Coding change: c.364+1del on transcript NM_001195553.2 (MANE Select); the canonical splice donor site of the intron after coding-DNA position 364, one base deleted (G; older notation c.364+1delG).
Molecular consequence: splice donor variant.
Genome position (GRCh38, 1-based): chrX:111,410,034, C deleted on the plus strand (G on the coding strand, the reverse complement: DCX is on the minus strand); the first of 2 consecutive C bases (chrX:111,410,034-111,410,035); deleting either gives the same sequence. VCF-style (leftmost placement, unchanged base first): chrX-111410033-AC-A. GRCh37 (hg19) VCF-style: chrX-110653261-AC-A.
Other names: c.364+1delG (NM_178153.1); c.364+1del (NM_001369373.1, NM_178153.3, NM_001369372.1 and 6 more transcripts); c.607+1del (NM_000555.3).
Identifiers: ClinVar variation 419226 (VCV000419226.2), dbSNP rs1064793735, ClinGen allele CA16621179.
Genomic context (GRCh38, chrX:111,410,033, plus strand): 5'-AATGTAACCATAACCAATGATGCCACCTCCCACCAACGGCCACCACCCACTATTTAAATT[AC>A]CTTCCTCCAGTTCATCCATGCTTCCGATCTTCCTGGATCCATCAATGGTGTAAATGTAAC-3'

ClinVar aggregate classification (germline): Pathogenic (1 of 4 stars; one submission).

Submission:

GeneDx
Classification: Pathogenic. Last evaluated: 2015-06-08. Review status: criteria provided, single submitter. Criteria: GeneDx Variant Classification (06012015). Collection method: clinical testing. Allele origin: germline. Affected: yes.
Comment: The c.364+1delG splice site variant in the DCX gene destroys the canonical splice donor site in intron 2.It is predicted to cause abnormal gene splicing, either leading to an abnormal message that is subject tononsense-mediated mRNA decay, or to an abnormal protein product if the message is used for proteintranslation. It was not observed with any significant frequency in approximately 6,500 individuals ofEuropean and African American ancestry in the NHLBI Exome Sequencing Project. Although thisdeletion has not been previously reported to our knowledge, we interpret it as a pathogenic variant.